The following is an entry in ClinVar:

NM_001164508.2(NEB):c.3043-16T>A

Gene: NEB (nebulin; minus strand). Cytogenetic location: 2q23.3.
Variant type: single nucleotide variant.
Coding change: c.3043-16T>A on transcript NM_001164508.2 (MANE Select); 16 bases into the intron before coding-DNA position 3043, T replaced by A.
Molecular consequence: intron variant.
Genome position (GRCh38, 1-based): chr2:151,680,038, A>T on the plus strand (T>A on the coding strand, the complement: NEB is on the minus strand). VCF-style: chr2-151680038-A-T. GRCh37 (hg19) VCF-style: chr2-152536552-A-T.
Other names: c.3043-16T>A (NM_004543.5, NM_001164507.2, NM_001271208.2).
Identifiers: ClinVar variation 517861 (VCV000517861.8), dbSNP rs767501380, ClinGen allele CA1911026.
Genomic context (GRCh38, chr2:151,680,038, plus strand): 5'-GTTGTATTTGTGAATAATTTCCTCTCCTTTGGCTTTGTAAGCGATCTGAAAGAGAAAAAA[A>T]TGCATAAACAAACAAATAAAGTAGAAAGAAAATTTAATGGCACCAGAAAATAATTTCCTA-3'

ClinVar aggregate classification (germline): Likely benign. Review status: criteria provided, multiple submitters, no conflicts (2 of 4 stars). 2 submissions from 2 submitters: Likely benign (2). Last evaluated 2025-03-28.

Conditions:
Nemaline myopathy 2 (NEM2). Also called: Nemaline myopathy 2, autosomal recessive. Identifiers: MedGen C1850569, MONDO:0009725, OMIM 256030.

Allele frequency attached by ClinVar (database versions not stated): gnomAD 0.00001; gnomAD exomes 0.00001; TOPMed 0.00001; ExAC 0.00002.
gnomAD v4.1: 6 of 1,529,944 alleles (0.00039%); highest among the groups gnomAD compares: African/African-American, 0.0014%; no homozygotes.

Submissions (2):

Labcorp Genetics (formerly Invitae), Labcorp
Classification: Likely benign for Nemaline myopathy 2. Last evaluated: 2025-03-28. Review status: criteria provided, single submitter. Criteria: Invitae Variant Classification Sherloc (09022015). Collection method: clinical testing. Allele origin: germline.

GeneDx
Classification: Likely benign. Last evaluated: 2017-06-02. Review status: criteria provided, single submitter. Criteria: GeneDx Variant Classification (06012015). Collection method: clinical testing. Allele origin: germline. Affected: yes.
Comment: This variant is considered likely benign or benign based on one or more of the following criteria: it is a conservative change, it occurs at a poorly conserved position in the protein, it is predicted to be benign by multiple in silico algorithms, and/or has population frequency not consistent with disease.